The following is an entry in ClinVar:

NM_033056.4(PCDH15):c.5044G>A (p.Glu1682Lys)

Gene: PCDH15 (protocadherin related 15; minus strand). Cytogenetic location: 10q21.1.
Variant type: single nucleotide variant.
Coding change: c.5044G>A on transcript NM_033056.4 (MANE Plus Clinical); coding-DNA position 5044, G replaced by A.
Protein change: p.Glu1682Lys; replaces glutamic acid 1682 with lysine.
Molecular consequence: missense variant. On other transcripts: intron variant (8).
Genome position (GRCh38, 1-based): chr10:53,822,682, C>T on the plus strand (G>A on the coding strand, the complement: PCDH15 is on the minus strand). VCF-style: chr10-53822682-C-T. GRCh37 (hg19) VCF-style: chr10-55582442-C-T.
Other names: c.5065G>A, p.Glu1689Lys (NM_001142763.2); c.5050G>A, p.Glu1684Lys (NM_001142764.2); c.4837G>A, p.Glu1613Lys (NM_001142765.2); c.5035G>A, p.Glu1679Lys (NM_001142766.2); c.4924G>A, p.Glu1642Lys (NM_001142767.2); c.4984G>A, p.Glu1662Lys (NM_001142768.2); c.4975G>A, p.Glu1659Lys (NM_001142773.2); c.4978G>A, p.Glu1660Lys (NM_001354404.2); and 7 more; short protein forms E1642K, E1684K, E1662K, E1689K, E1679K, E1613K, E1659K, E1660K.
Identifiers: ClinVar variation 836517 (VCV000836517.14), dbSNP rs145499180, ClinGen allele CA5505134.

ClinVar aggregate classification (germline): Conflicting classifications of pathogenicity. Review status: criteria provided, conflicting classifications (1 of 4 stars). 5 submissions from 5 submitters: Uncertain significance (1); Likely benign (3). 1 of the submissions does not count toward it. Last evaluated 2026-01-25.

Conditions:
Inborn genetic diseases. Identifiers: MedGen C0950123, MeSH D030342.
Usher syndrome type 1F (USH1F). Also called: USHER SYNDROME, TYPE IF. Identifiers: Orphanet 231169, Orphanet 886, MedGen C1865885, MONDO:0011186, OMIM 602083.

Allele frequency attached by ClinVar (database versions not stated): gnomAD exomes 0.00010 and 0.00003; 1000 Genomes Project 30x 0.00016; ESP Exome Variant Server 0.00046; gnomAD 0.00048 and 0.00044; 1000 Genomes Project 0.00020; ExAC 0.00010; TOPMed 0.00037.
gnomAD v4.1: 108 of 1,613,982 alleles (0.0067%); highest among the groups gnomAD compares: African/African-American, 0.13%; no homozygotes.

Submissions (5):

Labcorp Genetics (formerly Invitae), Labcorp
Classification: Likely benign. Last evaluated: 2026-01-25. Review status: criteria provided, single submitter. Criteria: Invitae Variant Classification Sherloc (09022015). Collection method: clinical testing. Allele origin: germline.

Ambry Genetics
Classification: Uncertain significance for Inborn genetic diseases. Last evaluated: 2024-12-03. Review status: criteria provided, single submitter. Criteria: Ambry Variant Classification Scheme 2023. Collection method: clinical testing. Allele origin: germline.

Blueprint Genetics
Classification: Likely benign. Last evaluated: 2024-09-18. Review status: criteria provided, single submitter. Criteria: ACMG Guidelines, 2015. Collection method: clinical testing. Allele origin: germline.

Laboratory for Molecular Medicine, Mass General Brigham Personalized Medicine
Classification: Likely benign. Last evaluated: 2020-01-14. Review status: criteria provided, single submitter. Criteria: LMM Criteria. Collection method: clinical testing. Allele origin: germline. Observed: 1 variant allele.
Comment: The p.Glu1682Lys variant in PCDH15 is classified as likely benign because it has been identified in 0.1% (35/24962) of African chromosomes by gnomAD, and computational prediction tools predict that this variant does not impact the protein. ACMG/AMP Criteria applied: BS1_Supporting, BP4.

Natera, Inc.
Classification: Uncertain significance for Usher syndrome type 1F. Last evaluated: 2020-03-17. Review status: no assertion criteria provided. Collection method: clinical testing. Allele origin: germline. Not counted in ClinVar's aggregate classification.